The following is an entry in ClinVar:

NM_021961.6(TEAD1):c.351G>T (p.Lys117Asn)

Gene: TEAD1 (TEA domain transcription factor 1; plus strand). Cytogenetic location: 11p15.3.
Variant type: single nucleotide variant.
Coding change: c.351G>T on transcript NM_021961.6 (MANE Select); coding-DNA position 351, G replaced by T.
Protein change: p.Lys117Asn; replaces lysine 117 with asparagine.
Molecular consequence: missense variant.
Genome position (GRCh38, 1-based): chr11:12,879,728, G>T. VCF-style: chr11-12879728-G-T. GRCh37 (hg19) VCF-style: chr11-12901275-G-T.
Other names: short protein forms K117N.
Identifiers: ClinVar variation 1419918 (VCV001419918.8), dbSNP rs151205652, ClinGen allele CA217824020.

ClinVar aggregate classification (germline): Uncertain significance (1 of 4 stars; one submission).

Allele frequency attached by ClinVar (database versions not stated): TOPMed below 0.00001; gnomAD exomes 0.00002; ESP Exome Variant Server 0.00008; gnomAD 0.00001.
gnomAD v4.1: 23 of 1,614,114 alleles (0.0014%); highest among the groups gnomAD compares: Non-Finnish European, 0.0019%; no homozygotes.

Submission:

Labcorp Genetics (formerly Invitae), Labcorp
Classification: Uncertain significance. Last evaluated: 2022-06-20. Review status: criteria provided, single submitter. Criteria: Invitae Variant Classification Sherloc (09022015). Collection method: clinical testing. Allele origin: germline.
Comment: In summary, the available evidence is currently insufficient to determine the role of this variant in disease. Therefore, it has been classified as a Variant of Uncertain Significance. Algorithms developed to predict the effect of missense changes on protein structure and function are either unavailable or do not agree on the potential impact of this missense change (SIFT: "Deleterious"; PolyPhen-2: "Benign"; Align-GVGD: "Class C0"). This variant has not been reported in the literature in individuals affected with TEAD1-related conditions. This variant is present in population databases (rs151205652, gnomAD 0.007%). This sequence change replaces lysine, which is basic and polar, with asparagine, which is neutral and polar, at codon 117 of the TEAD1 protein (p.Lys117Asn).